The following is an entry in ClinVar:

NM_001366207.1(DLG1):c.483+10645T>C

Gene: DLG1 (discs large MAGUK scaffold protein 1; minus strand). Cytogenetic location: 3q29.
Variant type: single nucleotide variant.
Coding change: c.483+10645T>C on transcript NM_001366207.1 (MANE Select); 10645 bases into the intron after coding-DNA position 483, T replaced by C.
Molecular consequence: intron variant. On other transcripts: missense variant (4), non-coding transcript variant (2).
Genome position (GRCh38, 1-based): chr3:197,183,780, A>G on the plus strand (T>C on the coding strand, the complement: DLG1 is on the minus strand). VCF-style: chr3-197183780-A-G. GRCh37 (hg19) VCF-style: chr3-196910651-A-G.
Other names: c.29T>C, p.Leu10Pro (NM_001204387.2, NM_001204388.2, NM_001366221.1 and 1 more transcripts); c.483+10645T>C (NM_001366203.1, NM_001290983.2, NM_001366204.1 and 19 more transcripts); short protein forms L10P.
Identifiers: ClinVar variation 4986092 (VCV004986092.1).

ClinVar aggregate classification (germline): Uncertain significance (1 of 4 stars; one submission).

Conditions:
DLG1-related disorder. Also called: DLG1-related condition.

gnomAD v4.1: 1 of 1,550,276 alleles (0.000065%); highest among the groups gnomAD compares: Non-Finnish European, 0.000087%; no homozygotes.

Submission:

PreventionGenetics, part of Exact Sciences
Classification: Uncertain significance for DLG1-related condition. Last evaluated: 2026-07-21. Review status: criteria provided, single submitter. Criteria: ACMG Guidelines, 2015. Collection method: clinical testing. Allele origin: germline.
Comment: The DLG1 c.29T>C variant is predicted to result in the amino acid substitution p.Leu10Pro. To our knowledge, this variant has not been reported in the literature. This variant is reported in 0.0065% of alleles in individuals of European (Non-Finnish) descent in gnomAD. At this time, the clinical significance of this variant is uncertain due to the absence of conclusive functional and genetic evidence.